The following is an entry in ClinVar:

ClinVar aggregate classification (germline): Uncertain significance. Review status: criteria provided, multiple submitters, no conflicts (2 of 4 stars). 2 submissions from 2 submitters: Uncertain significance (2). Last evaluated 2022-11-01.

Conditions:
Biotin-responsive basal ganglia disease (BTBGD). Also called: Thiamine metabolism dysfunction syndrome type 2; Thiamine Transporter-2 Deficiency; Thiamine metabolism dysfunction syndrome 2 (biotin- or thiamine-responsive encephalopathy type 2); thiamine-responsive encephalopathy; THIAMINE METABOLISM DYSFUNCTION SYNDROME 2 (BIOTIN- AND THIAMINE-RESPONSIVE TYPE). Identifiers: Orphanet 199348, Orphanet 65284, MedGen C1843807, MONDO:0011841, OMIM 607483.

Submissions (2):

CeGaT Center for Human Genetics Tuebingen
Classification: Uncertain significance. Last evaluated: 2022-11-01. Review status: criteria provided, single submitter. Criteria: CeGaT Center For Human Genetics Tuebingen Variant Classification Criteria Version 2. Collection method: clinical testing. Allele origin: germline. Affected: yes. Observed: 1 variant allele.
Comment: SLC19A3: PM2

Labcorp Genetics (formerly Invitae), Labcorp
Classification: Uncertain significance for Biotin-responsive basal ganglia disease. Last evaluated: 2022-04-26. Review status: criteria provided, single submitter. Criteria: Invitae Variant Classification Sherloc (09022015). Collection method: clinical testing. Allele origin: germline.
Comment: This sequence change replaces proline, which is neutral and non-polar, with leucine, which is neutral and non-polar, at codon 308 of the SLC19A3 protein (p.Pro308Leu). In summary, the available evidence is currently insufficient to determine the role of this variant in disease. Therefore, it has been classified as a Variant of Uncertain Significance. Advanced modeling of protein sequence and biophysical properties (such as structural, functional, and spatial information, amino acid conservation, physicochemical variation, residue mobility, and thermodynamic stability) performed at Invitae indicates that this missense variant is expected to disrupt SLC19A3 protein function. This variant has not been reported in the literature in individuals affected with SLC19A3-related conditions. This variant is not present in population databases (gnomAD no frequency).

NM_025243.4(SLC19A3):c.923C>T (p.Pro308Leu)

Gene: SLC19A3 (solute carrier family 19 member 3; minus strand). Cytogenetic location: 2q36.3.
Variant type: single nucleotide variant.
Coding change: c.923C>T on transcript NM_025243.4 (MANE Select); coding-DNA position 923, C replaced by T.
Protein change: p.Pro308Leu; replaces proline 308 with leucine.
Molecular consequence: missense variant.
Genome position (GRCh38, 1-based): chr2:227,698,792, G>A on the plus strand (C>T on the coding strand, the complement: SLC19A3 is on the minus strand). VCF-style: chr2-227698792-G-A. GRCh37 (hg19) VCF-style: chr2-228563508-G-A.
Other names: c.923C>T, p.Pro308Leu (NM_001371411.1, NM_001371412.1); c.911C>T, p.Pro304Leu (NM_001371413.1, NM_001371414.1); short protein forms P308L, P304L.
Identifiers: ClinVar variation 1397007 (VCV001397007.36), dbSNP rs2106328576, ClinGen allele CA350876165.
Genomic context (GRCh38, chr2:227,698,792, plus strand): 5'-TTACCTCCAAAGGTTGCAATAGCTTCTACGGCCCCATTATAGATGGAAGAATCTTGGGAT[G>A]GCGCCTTGTAATCCCACAGGATTTGAACATAGTTCAAAACCTGGTTAAAACCTGCTGTGG-3'
Protein context (NP_079519.1, residues 298-318): YVQILWDYKA[Pro308Leu]SQDSSIYNGA